The following is an entry in ClinVar:

ClinVar aggregate classification (germline): Likely pathogenic (1 of 4 stars; one submission).

Conditions:
Seizures, benign familial infantile, 3 (BFIS3). Also called: Familial neonatal seizures; CONVULSIONS, BENIGN FAMILIAL INFANTILE, 3. Identifiers: Orphanet 140927, Orphanet 306, MedGen C1843140, MONDO:0011904, OMIM 607745.
Developmental and epileptic encephalopathy, 11 (DEE11). Also called: Early infantile epileptic encephalopathy 11. Identifiers: Orphanet 1934, MedGen C3150987, MONDO:0013388, OMIM 613721.

Allele frequency attached by ClinVar (database versions not stated): gnomAD exomes below 0.00001.

Submission:

Labcorp Genetics (formerly Invitae), Labcorp
Classification: Likely pathogenic for Seizures, benign familial infantile, 3; Developmental and epileptic encephalopathy, 11. Last evaluated: 2026-01-12. Review status: criteria provided, single submitter. Criteria: Invitae Variant Classification Sherloc (09022015). Collection method: clinical testing. Allele origin: germline.
Comment: This sequence change replaces methionine, which is neutral and non-polar, with valine, which is neutral and non-polar, at codon 1338 of the SCN2A protein (p.Met1338Val). This variant is not present in population databases (gnomAD no frequency). This variant has not been reported in the literature in individuals affected with SCN2A-related conditions. ClinVar contains an entry for this variant (Variation ID: 2092509). Invitae Evidence Modeling of protein sequence and biophysical properties (such as structural, functional, and spatial information, amino acid conservation, physicochemical variation, residue mobility, and thermodynamic stability) indicates that this missense variant is expected to disrupt SCN2A protein function with a positive predictive value of 95%. This variant disrupts the p.Met1338 amino acid residue in SCN2A. Other variant(s) that disrupt this residue have been determined to be pathogenic (PMID: 23935176). This suggests that this residue is clinically significant, and that variants that disrupt this residue are likely to be disease-causing. In summary, the currently available evidence indicates that the variant is pathogenic, but additional data are needed to prove that conclusively. Therefore, this variant has been classified as Likely Pathogenic.

Literature cited by the submitters: PubMed 23935176.

NM_001040142.2(SCN2A):c.4012A>G (p.Met1338Val)

Gene: SCN2A (sodium voltage-gated channel alpha subunit 2; plus strand). Cytogenetic location: 2q24.3.
Variant type: single nucleotide variant.
Coding change: c.4012A>G on transcript NM_001040142.2 (MANE Select); coding-DNA position 4012, A replaced by G.
Protein change: p.Met1338Val; replaces methionine 1338 with valine.
Molecular consequence: missense variant.
Genome position (GRCh38, 1-based): chr2:165,374,724, A>G. VCF-style: chr2-165374724-A-G. GRCh37 (hg19) VCF-style: chr2-166231234-A-G.
Other names: c.4012A>G, p.Met1338Val (NM_001040143.2, NM_001371246.1, NM_001371247.1 and 1 more transcripts); short protein forms M1338V.
Identifiers: ClinVar variation 2092509 (VCV002092509.4), dbSNP rs2468102171, ClinGen allele CA349030295.